The following is an entry in ClinVar:

ClinVar aggregate classification (germline): Uncertain significance (1 of 4 stars; one submission).

Allele frequency attached by ClinVar (database versions not stated): TOPMed 0.00001.

Submission:

GeneDx
Classification: Uncertain significance. Last evaluated: 2023-01-18. Review status: criteria provided, single submitter. Criteria: GeneDx Variant Classification Process June 2021. Collection method: clinical testing. Allele origin: germline. Affected: yes.
Comment: Observed in a patient with adult-onset Alexander disease in the published literature; however, the authors classified this as a variant of uncertain significance (Mork et al., 2022); Not observed at significant frequency in large population cohorts (gnomAD); In silico analysis supports that this missense variant has a deleterious effect on protein structure/function; This variant is associated with the following publications: (PMID: 35363250, 15732097)

NM_002055.5(GFAP):c.1054C>G (p.Leu352Val)

Gene: GFAP (glial fibrillary acidic protein; minus strand). Cytogenetic location: 17q21.31.
Variant type: single nucleotide variant.
Coding change: c.1054C>G on transcript NM_002055.5 (MANE Select); coding-DNA position 1054, C replaced by G.
Protein change: p.Leu352Val; replaces leucine 352 with valine.
Molecular consequence: missense variant.
Genome position (GRCh38, 1-based): chr17:44,911,309, G>C on the plus strand (C>G on the coding strand, the complement: GFAP is on the minus strand). VCF-style: chr17-44911309-G-C. GRCh37 (hg19) VCF-style: chr17-42988677-G-C.
Other names: c.1054C>G, p.Leu352Val (NM_001131019.3, NM_001242376.3, NM_001363846.2); short protein forms L352V.
Identifiers: ClinVar variation 2574229 (VCV002574229.1), dbSNP rs2051757194, ClinGen allele CA399843682.